The following is an entry in ClinVar:

NM_000051.4(ATM):c.6838_6839dup (p.Gln2280fs)

Genes: ATM (ATM serine/threonine kinase; plus strand), C11orf65 (chromosome 11 open reading frame 65; minus strand). Cytogenetic location: 11q22.3.
Variant type: Duplication.
Coding change: c.6838_6839dup on transcript NM_000051.4 (MANE Select); coding-DNA positions 6838 to 6839, 2 bases duplicated (CA; older notation c.6838_6839dupCA).
Protein change: p.Gln2280fs; shifts the reading frame from glutamine 2280.
Molecular consequence: frameshift variant. On other transcripts: intron variant (2).
Genome position (GRCh38, 1-based): chr11:108,326,088-108,326,089, CA duplicated; duplicating any 2 consecutive bases within chr11:108,326,087-108,326,089 gives the same sequence; the c. name uses the placement nearest the transcript's 3' end. VCF-style (leftmost placement, unchanged base first): chr11-108326086-A-AAC. GRCh37 (hg19) VCF-style: chr11-108196813-A-AAC.
Other names: c.6838_6839dupCA (NM_000051.3); c.6838_6839dup, p.Gln2280fs (NM_001351834.2); c.641-17017_641-17016dup (NM_001330368.2); c.*38+9132_*38+9133dup (NM_001351110.2); short protein forms Q2280fs.
Identifiers: ClinVar variation 1177274 (VCV001177274.5), dbSNP rs2136332542, ClinGen allele CA2499220698.
Genomic context (GRCh38, chr11:108,326,086, plus strand): 5'-GTATTTATTCCCATATGTCATTTTCATTTCAGCTCCCTGAAAGGGCAATATTTCAAATTA[A>AAC]ACAGTACAATTCAGTTAGCTGTGGAGTCTCTGAGTGGCAGCTGGAAGAAGCACAAGTATT-3'

ClinVar aggregate classification (germline): Pathogenic/Likely pathogenic. Review status: criteria provided, multiple submitters, no conflicts (2 of 4 stars). 3 submissions from 3 submitters: Pathogenic (2); Likely pathogenic (1). Last evaluated 2024-01-30.

Conditions:
Ataxia-telangiectasia syndrome (AT). Also called: LOUIS-BAR SYNDROME; Cerebello-oculocutaneous telangiectasia; Immunodeficiency with ataxia telangiectasia; Ataxia-telangiectasia, complementation group D; AT, COMPLEMENTATION GROUP C; ATAXIA-TELANGIECTASIA, COMPLEMENTATION GROUP A. Identifiers: Orphanet 100, MedGen C0004135, MONDO:0008840, OMIM 208900.
Familial cancer of breast. Also called: BREAST CANCER, FAMILIAL; Hereditary breast cancer; hereditary breast carcinoma. Identifiers: Orphanet 227535, MedGen C0346153, MONDO:0016419, OMIM 114480. Disease mechanism: loss of function.

Submissions (3):

Myriad Genetics, Inc.
Classification: Pathogenic for Familial cancer of breast. Last evaluated: 2024-01-30. Review status: criteria provided, single submitter. Criteria: Myriad Autosomal Dominant, Autosomal Recessive and X-Linked Classification Criteria (2023). Collection method: clinical testing. Allele origin: unknown.
Comment: This variant is considered pathogenic. This variant creates a frameshift predicted to result in premature protein truncation.

Victorian Clinical Genetics Services, Murdoch Childrens Research Institute
Classification: Pathogenic for Ataxia-telangiectasia syndrome. Last evaluated: 2023-12-20. Review status: criteria provided, single submitter. Criteria: ACMG Guidelines, 2015. Collection method: clinical testing. Allele origin: germline. Inheritance: Autosomal recessive inheritance. Affected: yes.
Comment: Based on the classification scheme VCGS_Germline_v1.3.4, this variant is classified as Pathogenic. Following criteria are met: 0102 - Loss of function is a known mechanism of disease in this gene and is associated with ataxia-telangiectasia (MIM#208900) and susceptibility to breast cancer (MIM#114480). (I) 0108 - This gene is associated with both recessive and dominant disease. Biallelic variants in this gene result in ataxia-telangiectasia; however, heterozygous carriers of specific pathogenic variants have an increased risk of breast cancer (PMID: 27595995). Germline variants in this gene may also contribute to increased risk of other cancers including gastric, colorectal, and pancreatic cancers, however the risk is not well-established at this stage (PMIDs: 22585167, 27978560, 26506520). (I) 0115 - Variants in this gene are known to have variable expressivity with regard to ataxia-telangiectasia. Variable age of onset and rate of disease progression have been reported for affected individuals within the same family (PMIDs: 20301790, 27884168). (I) 0201 - Variant is predicted to cause nonsense-mediated decay (NMD) and loss of protein (premature termination codon is located at least 54 nucleotides upstream of the final exon-exon junction). (SP) 0252 - This variant is homozygous. (I) 0301 - Variant is absent from gnomAD (both v2 and v3). (SP) 0701 - Other premature termination variants comparable to the one identified in this case have very strong previous evidence for pathogenicity. Many NMD-predicted variants in this gene have been reported as likely pathogenic/pathogenic (ClinVar). (SP) 0803 - This variant has limited previous evidence of pathogenicity in an unrelated individual. This variant has been reported once as likely pathogenic (ClinVar). (I) Legend: (SP) - Supporting pathogenic, (I) - Information, (SB) - Supporting benign

Women's Health and Genetics/Laboratory Corporation of America, LabCorp
Classification: Likely pathogenic for Ataxia-telangiectasia syndrome. Last evaluated: 2021-06-21. Review status: criteria provided, single submitter. Criteria: LabCorp Variant Classification Summary - May 2015. Collection method: clinical testing. Allele origin: germline.
Comment: Variant summary: ATM c.6838_6839dupCA (p.Gln2280HisfsX31) results in a premature termination codon, predicted to cause a truncation of the encoded protein or absence of the protein due to nonsense mediated decay, which are commonly known mechanisms for disease. Truncations downstream of this position have been classified as pathogenic by our laboratory. The variant was absent in 251122 control chromosomes. To our knowledge, no occurrence of c.6838_6839dupCA in individuals affected with Ataxia-Telangiectasia and no experimental evidence demonstrating its impact on protein function have been reported. No clinical diagnostic laboratories have submitted clinical-significance assessments for this variant to ClinVar after 2014. Based on the evidence outlined above, the variant was classified as likely pathogenic.

Literature cited by the submitters: PubMed 20301790 (cited by Victorian Clinical Genetics Services, Murdoch Childrens Research Institute); PubMed 22585167 (cited by Victorian Clinical Genetics Services, Murdoch Childrens Research Institute); PubMed 26506520 (cited by Victorian Clinical Genetics Services, Murdoch Childrens Research Institute); PubMed 27595995 (cited by Victorian Clinical Genetics Services, Murdoch Childrens Research Institute); PubMed 27884168 (cited by Victorian Clinical Genetics Services, Murdoch Childrens Research Institute); PubMed 27978560 (cited by Victorian Clinical Genetics Services, Murdoch Childrens Research Institute).